The following is an entry in ClinVar:

ClinVar aggregate classification (germline): Uncertain significance. Review status: criteria provided, multiple submitters, no conflicts (2 of 4 stars). 2 submissions from 2 submitters: Uncertain significance (2). Last evaluated 2026-02-17.

Conditions:
Inborn genetic diseases. Identifiers: MedGen C0950123, MeSH D030342.

Allele frequency attached by ClinVar (database versions not stated): gnomAD exomes below 0.00001.
gnomAD v4.1: 2 of 1,207,005 alleles (0.00017%); highest among the groups gnomAD compares: East Asian, 0.003%; no homozygotes.

Submissions (2):

Women's Health and Genetics/Laboratory Corporation of America, LabCorp
Classification: Uncertain significance. Last evaluated: 2026-02-17. Review status: criteria provided, single submitter. Criteria: LabCorp Variant Classification Summary - May 2015. Collection method: clinical testing. Allele origin: germline.
Comment: Variant summary: GK c.502G>A (p.Val168Ile) results in a conservative amino acid change in the encoded protein sequence. Algorithms developed to predict the effect of missense changes on protein structure and function are either unavailable or do not agree on the potential impact of this missense change. The variant was absent in 183340 control chromosomes. The available data on variant occurrences in the general population are insufficient to allow any conclusion about variant significance. To our knowledge, no occurrence of c.502G>A in individuals affected with GK-related conditions and no experimental evidence demonstrating its impact on protein function have been reported. ClinVar contains an entry for this variant (Variation ID: 3100024). Based on the evidence outlined above, the variant was classified as uncertain significance.

Ambry Genetics
Classification: Uncertain significance for Inborn genetic diseases. Last evaluated: 2024-01-24. Review status: criteria provided, single submitter. Criteria: Ambry Variant Classification Scheme 2023. Collection method: clinical testing. Allele origin: germline.

NM_001205019.2(GK):c.502G>A (p.Val168Ile)

Gene: GK (glycerol kinase; plus strand). Cytogenetic location: Xp21.2.
Variant type: single nucleotide variant.
Coding change: c.502G>A on transcript NM_001205019.2 (MANE Select); coding-DNA position 502, G replaced by A.
Protein change: p.Val168Ile; replaces valine 168 with isoleucine.
Molecular consequence: missense variant. On other transcripts: non-coding transcript variant (7).
Genome position (GRCh38, 1-based): chrX:30,694,487, G>A. VCF-style: chrX-30694487-G-A. GRCh37 (hg19) VCF-style: chrX-30712604-G-A.
Other names: c.502G>A, p.Val168Ile (NM_000167.6, NM_001128127.3, NM_203391.4); c.586G>A, p.Val196Ile (NM_001399987.1); short protein forms V196I, V168I.
Identifiers: ClinVar variation 3100024 (VCV003100024.3), dbSNP rs749862920, ClinGen allele CA328364072.
Genomic context (GRCh38, chrX:30,694,487, plus strand): 5'-TACTTCAGTGCAGTGAAACTTCGTTGGCTCCTTGACAATGTGAGAAAAGTTCAAAAGGCC[G>A]TTGAAGAAAAACGAGCTCTTTTTGGGACTATTGATTCATGGCTTATTTGGGTATGTTTAA-3'
Protein context (NP_001191948.1, residues 158-178): LDNVRKVQKA[Val168Ile]EEKRALFGTI